The following is an entry in ClinVar:

ClinVar aggregate classification (germline): Uncertain significance. Review status: criteria provided, multiple submitters, no conflicts (2 of 4 stars). 2 submissions from 2 submitters: Uncertain significance (2). Last evaluated 2026-04-15.

Conditions:
Inborn genetic diseases. Identifiers: MedGen C0950123, MeSH D030342.

Allele frequency attached by ClinVar (database versions not stated): ESP Exome Variant Server 0.00015; gnomAD 0.00006; 1000 Genomes Project 0.00020; 1000 Genomes Project 30x 0.00016.
gnomAD v4.1: 25 of 1,614,188 alleles (0.0015%); highest among the groups gnomAD compares: African/African-American, 0.031%; no homozygotes.

Submissions (2):

Ambry Genetics
Classification: Uncertain significance for Inborn genetic diseases. Last evaluated: 2026-04-15. Review status: criteria provided, single submitter. Criteria: Ambry Variant Classification Scheme 2023. Collection method: clinical testing. Allele origin: germline.

Labcorp Genetics (formerly Invitae), Labcorp
Classification: Uncertain significance. Last evaluated: 2025-06-17. Review status: criteria provided, single submitter. Criteria: Invitae Variant Classification Sherloc (09022015). Collection method: clinical testing. Allele origin: germline.
Comment: This sequence change replaces methionine, which is neutral and non-polar, with isoleucine, which is neutral and non-polar, at codon 331 of the NR3C1 protein (p.Met331Ile). This variant is present in population databases (rs374706517, gnomAD 0.04%). This variant has not been reported in the literature in individuals affected with NR3C1-related conditions. ClinVar contains an entry for this variant (Variation ID: 3201949). An algorithm developed to predict the effect of missense changes on protein structure and function (PolyPhen-2) suggests that this variant is likely to be tolerated. In summary, the available evidence is currently insufficient to determine the role of this variant in disease. Therefore, it has been classified as a Variant of Uncertain Significance.

NM_000176.3(NR3C1):c.993G>C (p.Met331Ile)

Gene: NR3C1 (nuclear receptor subfamily 3 group C member 1; minus strand). Cytogenetic location: 5q31.3.
Variant type: single nucleotide variant.
Coding change: c.993G>C on transcript NM_000176.3 (MANE Select); coding-DNA position 993, G replaced by C.
Protein change: p.Met331Ile; replaces methionine 331 with isoleucine.
Molecular consequence: missense variant. On other transcripts: initiator codon variant (1), 5 prime UTR variant (1).
Genome position (GRCh38, 1-based): chr5:143,399,847, C>G on the plus strand (G>C on the coding strand, the complement: NR3C1 is on the minus strand). VCF-style: chr5-143399847-C-G. GRCh37 (hg19) VCF-style: chr5-142779412-C-G.
Other names: c.915G>C, p.Met305Ile (NM_001204258.2); c.738G>C, p.Met246Ile (NM_001204259.2); c.726G>C, p.Met242Ile (NM_001204260.2); c.702G>C, p.Met234Ile (NM_001204261.2); c.48G>C, p.Met16Ile (NM_001204262.2); c.3G>C, p.Met1Ile (NM_001204263.2); c.-13G>C (NM_001204264.2); c.993G>C, p.Met331Ile (NM_001204265.2, NM_001364180.2, NM_001018074.1 and 10 more transcripts); short protein forms M305I, M234I, M16I, M1I, M242I, M246I, M331I.
Identifiers: ClinVar variation 3201949 (VCV003201949.3), dbSNP rs374706517, ClinGen allele CA3486979.